The following is an entry in ClinVar:

ClinVar aggregate classification (germline): Uncertain significance (1 of 4 stars; one submission).

Conditions:
Charcot-Marie-Tooth disease axonal type 2Z. Also called: CHARCOT-MARIE-TOOTH DISEASE, AXONAL, AUTOSOMAL DOMINANT, TYPE 2Z; CHARCOT-MARIE-TOOTH NEUROPATHY, TYPE 2Z. Identifiers: Orphanet 466768, MedGen C5569025, MONDO:0014736, OMIM 616688.

Submission:

Labcorp Genetics (formerly Invitae), Labcorp
Classification: Uncertain significance for Charcot-Marie-Tooth disease axonal type 2Z. Last evaluated: 2024-06-21. Review status: criteria provided, single submitter. Criteria: Invitae Variant Classification Sherloc (09022015). Collection method: clinical testing. Allele origin: germline.
Comment: This sequence change replaces leucine, which is neutral and non-polar, with phenylalanine, which is neutral and non-polar, at codon 128 of the MORC2 protein (p.Leu128Phe). This variant is not present in population databases (gnomAD no frequency). This variant has not been reported in the literature in individuals affected with MORC2-related conditions. Advanced modeling of protein sequence and biophysical properties (such as structural, functional, and spatial information, amino acid conservation, physicochemical variation, residue mobility, and thermodynamic stability) performed at Invitae indicates that this missense variant is expected to disrupt MORC2 protein function with a positive predictive value of 95%. In summary, the available evidence is currently insufficient to determine the role of this variant in disease. Therefore, it has been classified as a Variant of Uncertain Significance.

NM_001303256.3(MORC2):c.382C>T (p.Leu128Phe)

Gene: MORC2 (MORC family CW-type zinc finger 2; minus strand). Cytogenetic location: 22q12.2.
Variant type: single nucleotide variant.
Coding change: c.382C>T on transcript NM_001303256.3 (MANE Select); coding-DNA position 382, C replaced by T.
Protein change: p.Leu128Phe; replaces leucine 128 with phenylalanine.
Molecular consequence: missense variant.
Genome position (GRCh38, 1-based): chr22:30,946,385, G>A on the plus strand (C>T on the coding strand, the complement: MORC2 is on the minus strand). VCF-style: chr22-30946385-G-A. GRCh37 (hg19) VCF-style: chr22-31342372-G-A.
Other names: c.382C>T, p.Leu128Phe (NM_001303257.2); c.196C>T, p.Leu66Phe (NM_014941.3); short protein forms L66F, L128F.
Identifiers: ClinVar variation 3688497 (VCV003688497.2).